The following is an entry in ClinVar:

NM_005921.2(MAP3K1):c.2269C>T (p.Arg757Cys)

Gene: MAP3K1 (mitogen-activated protein kinase kinase kinase 1; plus strand). Cytogenetic location: 5q11.2.
Variant type: single nucleotide variant.
Coding change: c.2269C>T on transcript NM_005921.2 (MANE Select); coding-DNA position 2269, C replaced by T.
Protein change: p.Arg757Cys; replaces arginine 757 with cysteine.
Molecular consequence: missense variant.
Genome position (GRCh38, 1-based): chr5:56,881,172, C>T. VCF-style: chr5-56881172-C-T. GRCh37 (hg19) VCF-style: chr5-56176999-C-T.
Other names: short protein forms R757C.
Identifiers: ClinVar variation 4801744 (VCV004801744.1).
Genomic context (GRCh38, chr5:56,881,172, plus strand): 5'-GTCTTAAATTGTATTCTTGGAAACCAAACTGAATCAAACAATTGGCAAGAACTTCTTGGC[C>T]GCCTTTGTCTTATAGATAGACTGTTGTTGGAATTTCCTGCTGAATTTTATCCTCATATTG-3'
Protein context (NP_005912.1, residues 747-767): ESNNWQELLG[Arg757Cys]LCLIDRLLLE

ClinVar aggregate classification (germline): Uncertain significance (1 of 4 stars; one submission).

Conditions:
46,XY sex reversal 6. Also called: 46,XY GONADAL DYSGENESIS, PARTIAL OR COMPLETE, MAP3K1-RELATED; 46,XY SEX REVERSAL, PARTIAL OR COMPLETE, MAP3K1-RELATED. Identifiers: MedGen C3151064, MONDO:0013410, OMIM 613762.

gnomAD v4.1: 42 of 1,613,410 alleles (0.0026%); highest among the groups gnomAD compares: African/African-American, 0.0094%; no homozygotes.

Submission:

Labcorp Genetics (formerly Invitae), Labcorp
Classification: Uncertain significance for 46,XY sex reversal 6. Last evaluated: 2025-10-23. Review status: criteria provided, single submitter. Criteria: Invitae Variant Classification Sherloc (09022015). Collection method: clinical testing. Allele origin: germline.
Comment: This sequence change replaces arginine, which is basic and polar, with cysteine, which is neutral and slightly polar, at codon 757 of the MAP3K1 protein (p.Arg757Cys). This variant is present in population databases (rs765970866, gnomAD 0.01%). This variant has not been reported in the literature in individuals affected with MAP3K1-related conditions. Invitae Evidence Modeling of protein sequence and biophysical properties (such as structural, functional, and spatial information, amino acid conservation, physicochemical variation, residue mobility, and thermodynamic stability) indicates that this missense variant is expected to disrupt MAP3K1 protein function with a positive predictive value of 80%. In summary, the available evidence is currently insufficient to determine the role of this variant in disease. Therefore, it has been classified as a Variant of Uncertain Significance.